The following is an entry in ClinVar:

ClinVar aggregate classification (germline): Conflicting classifications of pathogenicity. Review status: criteria provided, conflicting classifications (1 of 4 stars). 6 submissions from 6 submitters: Uncertain significance (1); Benign (1); Likely benign (3). 1 of the submissions does not count toward it. Last evaluated 2026-01-13.

Conditions:
Overgrowth syndrome and/or cerebral malformations due to abnormalities in MTOR pathway genes. Identifiers: MedGen CN300503, MONDO:0100283.
MTOR-related disorder. Also called: MTOR-related condition.
Inborn genetic diseases. Identifiers: MedGen C0950123, MeSH D030342.

Allele frequency attached by ClinVar (database versions not stated): gnomAD exomes 0.00002 and 0.00006; ExAC 0.00008; 1000 Genomes Project 0.00020; TOPMed 0.00021; ESP Exome Variant Server 0.00038; gnomAD 0.00014; 1000 Genomes Project 30x 0.00031.

Submissions (6):

Labcorp Genetics (formerly Invitae), Labcorp
Classification: Likely benign. Last evaluated: 2026-01-13. Review status: criteria provided, single submitter. Criteria: Invitae Variant Classification Sherloc (09022015). Collection method: clinical testing. Allele origin: germline.

Dasa
Classification: Likely benign. Last evaluated: 2025-12-30. Review status: criteria provided, single submitter. Criteria: DASA Assertion Criteria. Collection method: clinical testing. Allele origin: germline.
Comment: NM_004958.4(MTOR):c.2857G>A (p.Val953Met) is a missense variant that results in the substitution of valine with methionine. Population frequency is inconsistent with a disease-causing role for this variant. Therefore, based on the currently available evidence, this variant is classified as likely benign.

Ambry Genetics
Classification: Likely benign for Inborn genetic diseases. Last evaluated: 2024-05-01. Review status: criteria provided, single submitter. Criteria: Ambry Variant Classification Scheme 2023. Collection method: clinical testing. Allele origin: germline.

Clinical Genomics Laboratory, Washington University in St. Louis
Classification: Uncertain significance for Overgrowth syndrome and/or cerebral malformations due to abnormalities in MTOR pathway genes. Last evaluated: 2023-08-23. Review status: criteria provided, single submitter. Criteria: ACMG Guidelines, 2015. Collection method: clinical testing. Allele origin: germline.
Comment: The MTOR c.2857G>A (p.Val953Met) variant was identified at a near heterozygous allelic fraction. The MTOR c.2857G>A (p.Val953Met) variant, to our knowledge, has not been reported in the medical literature. This variant has been reported in the ClinVar database as a benign/likely benign variant by two submitters (ClinVar Variation ID: 1112740). Computational predictors are conflicting as to the impact of this variant on the MTOR function. The MTOR gene is defined by the ClinGen Brain Malformations expert panel as a gene that has a low rate of benign missense variation and where pathogenic missense variants are a common mechanism of disease. Due to limited information and based on ACMG/AMP guidelines for variant interpretation (Richards S et al., PMID: 25741868), the clinical significance of this variant is uncertain at this time.

GeneDx
Classification: Benign. Last evaluated: 2020-06-30. Review status: criteria provided, single submitter. Criteria: GeneDx Variant Classification Process June 2021. Collection method: clinical testing. Allele origin: germline. Affected: yes.

PreventionGenetics, part of Exact Sciences
Classification: Likely benign for MTOR-related condition. Last evaluated: 2023-09-07. Review status: no assertion criteria provided. Collection method: clinical testing. Allele origin: germline. Not counted in ClinVar's aggregate classification.
Comment: This variant is classified as likely benign based on ACMG/AMP sequence variant interpretation guidelines (Richards et al. 2015 PMID: 25741868, with internal and published modifications).

NM_004958.4(MTOR):c.2857G>A (p.Val953Met)

Gene: MTOR (mechanistic target of rapamycin kinase; minus strand). Cytogenetic location: 1p36.22.
Variant type: single nucleotide variant.
Coding change: c.2857G>A on transcript NM_004958.4 (MANE Select); coding-DNA position 2857, G replaced by A.
Protein change: p.Val953Met; replaces valine 953 with methionine.
Molecular consequence: missense variant.
Genome position (GRCh38, 1-based): chr1:11,228,841, C>T on the plus strand (G>A on the coding strand, the complement: MTOR is on the minus strand). VCF-style: chr1-11228841-C-T. GRCh37 (hg19) VCF-style: chr1-11288898-C-T.
Other names: c.2857G>A, p.Val953Met (NM_001386500.1); c.1609G>A, p.Val537Met (NM_001386501.1); short protein forms V537M, V953M.
Identifiers: ClinVar variation 1112740 (VCV001112740.15), dbSNP rs140269225, ClinGen allele CA590357.